The following is an entry in ClinVar:

ClinVar aggregate classification (germline): Uncertain significance (1 of 4 stars; one submission).

Conditions:
Hereditary cancer-predisposing syndrome. Also called: Tumor predisposition; Hereditary neoplastic syndrome; Neoplastic Syndromes, Hereditary; Hereditary Cancer Syndrome. Identifiers: Orphanet 140162, MedGen C0027672, MeSH D009386, MONDO:0015356.

Submission:

Ambry Genetics
Classification: Uncertain significance for Hereditary cancer-predisposing syndrome. Last evaluated: 2025-03-17. Review status: criteria provided, single submitter. Criteria: Ambry Variant Classification Scheme 2023. Collection method: clinical testing. Allele origin: germline.
Comment: The p.C85R variant (also known as c.253T>C), located in coding exon 2 of the FLCN gene, results from a T to C substitution at nucleotide position 253. The cysteine at codon 85 is replaced by arginine, an amino acid with highly dissimilar properties. This amino acid position is conserved. In addition, this alteration is predicted to be deleterious by in silico analysis. Based on the available evidence, the clinical significance of this variant remains unclear.

NM_144997.7(FLCN):c.253T>C (p.Cys85Arg)

Gene: FLCN (folliculin; minus strand). Cytogenetic location: 17p11.2.
Variant type: single nucleotide variant.
Coding change: c.253T>C on transcript NM_144997.7 (MANE Select); coding-DNA position 253, T replaced by C.
Protein change: p.Cys85Arg; replaces cysteine 85 with arginine.
Molecular consequence: missense variant.
Genome position (GRCh38, 1-based): chr17:17,226,319, A>G on the plus strand (T>C on the coding strand, the complement: FLCN is on the minus strand). VCF-style: chr17-17226319-A-G. GRCh37 (hg19) VCF-style: chr17-17129633-A-G.
Other names: c.253T>C, p.Cys85Arg (NM_001353229.2, NM_001353230.2, NM_001353231.2 and 1 more transcripts); short protein forms C85R.
Identifiers: ClinVar variation 4025301 (VCV004025301.1).